The following is an entry in ClinVar:

ClinVar aggregate classification (germline): Likely pathogenic (3 of 4 stars; one submission).

Conditions:
Monogenic diabetes. Identifiers: Orphanet 183625, MedGen C3888631, MONDO:0015967.

Submission:

ClinGen Monogenic Diabetes Variant Curation Expert Panel
Classification: Likely pathogenic for Monogenic diabetes. Last evaluated: 2025-06-02. Review status: reviewed by expert panel. Criteria: ClinGen Diabetes ACMG Specifications HNF4A V2.0.0. Collection method: curation. Allele origin: germline. Inheritance: Autosomal dominant inheritance.
Comment: The c.1A>T variant in the hepatocyte nuclear factor 4-alpha gene, HNF4A, results in the loss of the initiation codon (p.Met1?) of NM_175914.4. By altering the start codon of the coding sequence, this variant may cause a truncated or absent protein in a gene in which loss-of-function is an established disease mechanism (PVS1_Strong; PMID: 23348805). This variant is absent from gnomAD v2.1.1 and v4.1.0 (PM2_Supporting). In summary, c.1A>T meets the criteria to be classified as likely pathogenic for monogenic diabetes. ACMG/AMP criteria applied, as specified by the ClinGen MDEP (specification version 2.0.0, approved 10/11/2023): PVS1_Strong, PM2_Supporting, PP4_Moderate.

NM_175914.5(HNF4A):c.1A>T (p.Met1Leu)

Gene: HNF4A (hepatocyte nuclear factor 4 alpha; plus strand). Cytogenetic location: 20q13.12.
Variant type: single nucleotide variant.
Coding change: c.1A>T on transcript NM_175914.5 (MANE Select); coding-DNA position 1, A replaced by T.
Protein change: p.Met1Leu; changes the start codon (methionine 1).
Molecular consequence: missense variant, initiator codon variant. On other transcripts: 5 prime UTR variant (3).
Genome position (GRCh38, 1-based): chr20:44,355,805, A>T. VCF-style: chr20-44355805-A-T. GRCh37 (hg19) VCF-style: chr20-42984445-A-T.
Other names: NM_175914.5:c.1A>T; c.1A>T, p.Met1Leu (NM_001030003.3, NM_001030004.3); c.-231A>T (NM_001287182.2, NM_001287183.2, NM_001287184.2); short protein forms M1L.
Identifiers: ClinVar variation 3901832 (VCV003901832.1).